The following is an entry in ClinVar:

ClinVar aggregate classification (germline): Likely benign. Review status: criteria provided, multiple submitters, no conflicts (2 of 4 stars). 3 submissions from 3 submitters: Likely benign (3). Last evaluated 2025-10-20.

Conditions:
Cardiovascular phenotype. Identifiers: MedGen CN230736.
Hypercholesterolemia, autosomal dominant, type B (FHCL2). Also called: Familial Hypercholesterolemia Type B; Familial hypercholesterolemia 2; APOLIPOPROTEIN B-100, FAMILIAL DEFECTIVE; APOLIPOPROTEIN B-100, FAMILIAL LIGAND-DEFECTIVE; HYPERCHOLESTEROLEMIA, FAMILIAL, DUE TO LIGAND-DEFECTIVE APOLIPOPROTEIN B; APOB-Related Familial Hypercholesterolemia, Autosomal Dominant. Identifiers: MedGen C1704417, MONDO:0007751, OMIM 144010.
Familial hypobetalipoproteinemia 1. Also called: APOB-Related Familial Hypobetalipoproteinemia; Hypobetalipoproteinemia, normotriglyceridemic; Acanthocytosis with hypobetalipoproteinemia. Identifiers: MedGen C4551990, MONDO:0014252, OMIM 615558.
Familial hypercholesterolemia. Also called: Familial hypercholesterolemias; Familial hypercholesterolaemia. Identifiers: MedGen C0020445, MONDO:0005439.

Allele frequency attached by ClinVar (database versions not stated): gnomAD exomes 0.00001; TOPMed 0.00001.
gnomAD v4.1: 14 of 1,602,142 alleles (0.00087%); highest among the groups gnomAD compares: Admixed American, 0.0051%; no homozygotes.

Submissions (3):

GENinCode PLC
Classification: Likely benign for Familial hypercholesterolemia. Last evaluated: 2025-10-20. Review status: criteria provided, single submitter. Criteria: ACMG Guidelines, 2015. Collection method: clinical testing. Allele origin: germline.
Comment: This is a synonymous (silent) variant that is not predicted to impact splicing and occurs at a nucleotide which is not highly conserved. This variant has been classified as Likely Benign (BP4, BP7).

Labcorp Genetics (formerly Invitae), Labcorp
Classification: Likely benign for Familial hypobetalipoproteinemia 1; Hypercholesterolemia, autosomal dominant, type B. Last evaluated: 2025-02-24. Review status: criteria provided, single submitter. Criteria: Invitae Variant Classification Sherloc (09022015). Collection method: clinical testing. Allele origin: germline.

Ambry Genetics
Classification: Likely benign for Cardiovascular phenotype. Last evaluated: 2024-08-07. Review status: criteria provided, single submitter. Criteria: Ambry Variant Classification Scheme 2023. Collection method: clinical testing. Allele origin: germline.

NM_000384.3(APOB):c.4680C>T (p.Ser1560=)

Gene: APOB (apolipoprotein B; minus strand). Cytogenetic location: 2p24.1.
Variant type: single nucleotide variant.
Coding change: c.4680C>T on transcript NM_000384.3 (MANE Select); coding-DNA position 4680, C replaced by T.
Protein change: p.Ser1560=; no amino-acid change (serine 1560 retained).
Molecular consequence: synonymous variant.
Genome position (GRCh38, 1-based): chr2:21,012,188, G>A on the plus strand (C>T on the coding strand, the complement: APOB is on the minus strand). VCF-style: chr2-21012188-G-A. GRCh37 (hg19) VCF-style: chr2-21235060-G-A.
Identifiers: ClinVar variation 629388 (VCV000629388.9), dbSNP rs948486350, ClinGen allele CA43507907.
Genomic context (GRCh38, chr2:21,012,188, plus strand): 5'-GTTCTTATACTTCCCATTGGTGTCAGATTTTAAAGTCAGCTCGTAGTTCTCATACTTTAG[G>A]GAAGCAGTATTTTTAATGATGCCACTTTGCAGATCAGAGGTGGAGGTGAGGGAGAGGGTT-3'
Protein context (NP_000375.3, residues 1550-1570): LQSGIIKNTA[Ser1560=]LKYENYELTL